The following is an entry in ClinVar:

ClinVar aggregate classification (germline): Likely benign (0 of 4 stars; one submission).

Conditions:
LZTFL1-related disorder. Also called: LZTFL1-related condition.

Allele frequency attached by ClinVar (database versions not stated): gnomAD 0.00001; ExAC 0.00002; ESP Exome Variant Server 0.00008.
gnomAD v4.1: 10 of 1,613,752 alleles (0.00062%); highest among the groups gnomAD compares: South Asian, 0.011%; no homozygotes.

Submission:

PreventionGenetics, part of Exact Sciences
Classification: Likely benign for LZTFL1-related condition. Last evaluated: 2023-11-08. Review status: no assertion criteria provided. Collection method: clinical testing. Allele origin: germline.
Comment: This variant is classified as likely benign based on ACMG/AMP sequence variant interpretation guidelines (Richards et al. 2015 PMID: 25741868, with internal and published modifications).

NM_020347.4(LZTFL1):c.231C>G (p.Ala77=)

Gene: LZTFL1 (leucine zipper transcription factor like 1; minus strand). Cytogenetic location: 3p21.31.
Variant type: single nucleotide variant.
Coding change: c.231C>G on transcript NM_020347.4 (MANE Select); coding-DNA position 231, C replaced by G.
Protein change: p.Ala77=; no amino-acid change (alanine 77 retained).
Molecular consequence: synonymous variant. On other transcripts: non-coding transcript variant (2).
Genome position (GRCh38, 1-based): chr3:45,835,682, G>C on the plus strand (C>G on the coding strand, the complement: LZTFL1 is on the minus strand). VCF-style: chr3-45835682-G-C. GRCh37 (hg19) VCF-style: chr3-45877174-G-C.
Other names: c.180C>G, p.Ala60= (NM_001276378.2, NM_001386451.1, NM_001405922.1 and 4 more transcripts); c.219C>G, p.Ala73= (NM_001276379.2, NM_001405921.1); c.231C>G, p.Ala77= (NM_001386452.1, NM_001405924.1); c.255C>G, p.Ala85= (NM_001405920.1, NM_001405925.1).
Identifiers: ClinVar variation 3029918 (VCV003029918.2), dbSNP rs372188733, ClinGen allele CA2351981.